The following is an entry in ClinVar:

NM_007294.4(BRCA1):c.904G>T (p.Ala302Ser)

Gene: BRCA1 (BRCA1 DNA repair associated; minus strand). Cytogenetic location: 17q21.31.
Variant type: single nucleotide variant.
Coding change: c.904G>T on transcript NM_007294.4 (MANE Select); coding-DNA position 904, G replaced by T.
Protein change: p.Ala302Ser; replaces alanine 302 with serine.
Molecular consequence: missense variant. On other transcripts: intron variant (137).
Genome position (GRCh38, 1-based): chr17:43,094,627, C>A on the plus strand (G>T on the coding strand, the complement: BRCA1 is on the minus strand). VCF-style: chr17-43094627-C-A. GRCh37 (hg19) VCF-style: chr17-41246644-C-A.
Other names: c.691G>T, p.Ala231Ser (NM_001407571.1, NM_001407853.1, NM_001407894.1 and 9 more transcripts); c.904G>T, p.Ala302Ser (NM_001407581.1, NM_001407582.1, NM_001407583.1 and 30 more transcripts); c.901G>T, p.Ala301Ser (NM_001407587.1, NM_001407590.1, NM_001407591.1 and 22 more transcripts); c.895G>T, p.Ala299Ser (NM_001407646.1, NM_001407647.1); c.781G>T, p.Ala261Ser (NM_001407648.1, NM_001407664.1, NM_001407665.1 and 19 more transcripts); c.778G>T, p.Ala260Ser (NM_001407649.1, NM_001407670.1, NM_001407671.1 and 11 more transcripts); c.826G>T, p.Ala276Ser (NM_001407653.1, NM_001407654.1, NM_001407655.1 and 4 more transcripts); c.823G>T, p.Ala275Ser (NM_001407659.1, NM_001407660.1, NM_001407661.1 and 1 more transcripts); and 40 more; short protein forms A174S, A234S, A254S, A260S, A276S, A191S, A213S, A232S.
Identifiers: ClinVar variation 3692085 (VCV003692085.2).
Genomic context (GRCh38, chr17:43,094,627, plus strand): 5'-CCCATCTGTTATGTTGGCTCCTTGCTAAGCCAGGCTGTTTGCTTTTATTACAGAATTCAG[C>A]CTTTTCTACATTCATTCTGTCTTTAGTGAGTAATAAACTGCTGTTCTCATGCTGTAATGA-3'
Protein context (NP_009225.1, residues 292-312): LTKDRMNVEK[Ala302Ser]EFCNKSKQPG

ClinVar aggregate classification (germline): Uncertain significance (1 of 4 stars; one submission).

Conditions:
Hereditary breast ovarian cancer syndrome. Also called: BRCA1- and BRCA2-Associated Hereditary Breast and Ovarian Cancer; Breast and ovarian cancer; Hereditary breast and ovarian cancer; Hereditary breast and ovarian cancer syndrome (HBOC); Hereditary breast and ovarian cancer syndrome; Hereditary breast and/or ovarian cancer syndrome. Identifiers: Orphanet 145, MedGen C0677776, MeSH D061325, MONDO:0003582. Disease mechanism: loss of function.

Submission:

Labcorp Genetics (formerly Invitae), Labcorp
Classification: Uncertain significance for Hereditary breast ovarian cancer syndrome. Last evaluated: 2024-02-15. Review status: criteria provided, single submitter. Criteria: Invitae Variant Classification Sherloc (09022015). Collection method: clinical testing. Allele origin: germline.
Comment: This sequence change replaces alanine, which is neutral and non-polar, with serine, which is neutral and polar, at codon 302 of the BRCA1 protein (p.Ala302Ser). This variant is not present in population databases (gnomAD no frequency). This variant has not been reported in the literature in individuals affected with BRCA1-related conditions. Advanced modeling of protein sequence and biophysical properties (such as structural, functional, and spatial information, amino acid conservation, physicochemical variation, residue mobility, and thermodynamic stability) performed at Invitae indicates that this missense variant is not expected to disrupt BRCA1 protein function with a negative predictive value of 95%. In summary, the available evidence is currently insufficient to determine the role of this variant in disease. Therefore, it has been classified as a Variant of Uncertain Significance.